The following is an entry in ClinVar:

ClinVar aggregate classification (germline): Likely pathogenic (1 of 4 stars; one submission).

Conditions:
Intellectual developmental disorder, autosomal dominant 50, with behavioral abnormalities. Also called: MENTAL RETARDATION, AUTOSOMAL DOMINANT 50; Intellectual disability, autosomal dominant 50. Identifiers: MedGen C4540470, MONDO:0030916, OMIM 617787.

Submission:

University of Washington Department of Laboratory Medicine, University of Washington
Classification: Likely pathogenic for Intellectual developmental disorder, autosomal dominant 50, with behavioral abnormalities. Last evaluated: 2023-03-10. Review status: criteria provided, single submitter. Criteria: ACMG Guidelines, 2015. Collection method: clinical testing. Allele origin: paternal. Affected: yes.
Comment: The p.Glu409* variant in the NAA15 gene has not been previously reported in association with disease. This variant was absent from large population databases, including the Genome Aggregation Database. The p.Glu409* variant leads to a premature termination codon in exon 11 of 20 exons and is predicted to undergo nonsense-mediated decay resulting in absent protein expression. These predictions have not been tested directly. Heterozygous loss of function leading to haploinsufficiency of the NAA15 gene is an established mechanism of disease. Using ACMG guidelines, this variant was classified as likely pathogenic for autosomal dominant NAA15-related intellectual development disorder (ACMG evidence codes used: PVS1, PM2_supporting).

NM_057175.5(NAA15):c.1225G>T (p.Glu409Ter)

Gene: NAA15 (N-alpha-acetyltransferase 15, NatA auxiliary subunit; plus strand). Cytogenetic location: 4q31.1.
Variant type: single nucleotide variant.
Coding change: c.1225G>T on transcript NM_057175.5 (MANE Select); coding-DNA position 1225, G replaced by T.
Protein change: p.Glu409Ter; replaces glutamic acid 409 with a stop codon.
Molecular consequence: nonsense.
Genome position (GRCh38, 1-based): chr4:139,357,523, G>T. VCF-style: chr4-139357523-G-T. GRCh37 (hg19) VCF-style: chr4-140278677-G-T.
Other names: c.1225G>T, p.Glu409Ter (NM_001410842.1); c.1225G>T (NM_057175.3); short protein forms E409*.
Identifiers: ClinVar variation 3777203 (VCV003777203.1).